The following is an entry in ClinVar:

ClinVar aggregate classification (germline): Conflicting classifications of pathogenicity. Review status: criteria provided, conflicting classifications (1 of 4 stars). 2 submissions from 2 submitters: Uncertain significance (1); Likely benign (1). Last evaluated 2023-03-23.

Conditions:
Hereditary cancer-predisposing syndrome. Also called: Neoplastic Syndromes, Hereditary; Hereditary Cancer Syndrome; Tumor predisposition; Hereditary neoplastic syndrome. Identifiers: Orphanet 140162, MedGen C0027672, MeSH D009386, MONDO:0015356.

Submissions (2):

University of Washington Department of Laboratory Medicine, University of Washington
Classification: Likely benign for Hereditary cancer-predisposing syndrome. Last evaluated: 2023-03-23. Review status: criteria provided, single submitter. Criteria: Dines et al. (Genet Med. 2020). Collection method: curation. Allele origin: germline.
Comment: Missense variant in a coldspot region where missense variants are very unlikely to be pathogenic (PMID:31911673).

BRCA1 coldspot (exon 11 using historical exon numbering). Reclassification based on statistical prior probability

GeneDx
Classification: Uncertain significance. Last evaluated: 2022-09-01. Review status: criteria provided, single submitter. Criteria: GeneDx Variant Classification Process June 2021. Collection method: clinical testing. Allele origin: germline. Affected: yes.
Comment: Not observed at significant frequency in large population cohorts (gnomAD); In silico analysis supports that this missense variant does not alter protein structure/function; Has not been previously published as pathogenic or benign to our knowledge; Also known as 4174A>G; This variant is associated with the following publications: (PMID: 9774970, 15343273, 22737296)

NM_007294.4(BRCA1):c.4055A>G (p.Glu1352Gly)

Genes: BRCA1 (BRCA1 DNA repair associated; minus strand), LOC126862571 (BRD4-independent group 4 enhancer GRCh37_chr17:41243136-41244335; plus strand). Cytogenetic location: 17q21.31.
Variant type: single nucleotide variant.
Coding change: c.4055A>G on transcript NM_007294.4 (MANE Select); coding-DNA position 4055, A replaced by G.
Protein change: p.Glu1352Gly; replaces glutamic acid 1352 with glycine.
Molecular consequence: missense variant. On other transcripts: intron variant (135).
Genome position (GRCh38, 1-based): chr17:43,091,476, T>C on the plus strand (A>G on the coding strand, the complement: BRCA1 is on the minus strand). VCF-style: chr17-43091476-T-C. GRCh37 (hg19) VCF-style: chr17-41243493-T-C.
Other names: c.3842A>G, p.Glu1281Gly (NM_001407571.1, NM_001407853.1, NM_001407894.1 and 9 more transcripts); c.4055A>G, p.Glu1352Gly (NM_001407581.1, NM_001407582.1, NM_001407583.1 and 30 more transcripts); c.4052A>G, p.Glu1351Gly (NM_001407587.1, NM_001407590.1, NM_001407591.1 and 22 more transcripts); c.4046A>G, p.Glu1349Gly (NM_001407646.1, NM_001407647.1); c.3932A>G, p.Glu1311Gly (NM_001407648.1, NM_001407664.1, NM_001407665.1 and 19 more transcripts); c.3929A>G, p.Glu1310Gly (NM_001407649.1, NM_001407670.1, NM_001407671.1 and 11 more transcripts); c.3977A>G, p.Glu1326Gly (NM_001407653.1, NM_001407654.1, NM_001407655.1 and 4 more transcripts); c.3974A>G, p.Glu1325Gly (NM_001407659.1, NM_001407660.1, NM_001407661.1 and 1 more transcripts); and 41 more; short protein forms E1056G, E1184G, E1224G, E1225G, E1240G, E1241G, E1263G, E1264G.
Identifiers: ClinVar variation 2442604 (VCV002442604.3), dbSNP rs879254228, ClinGen allele CA10593853.
Genomic context (GRCh38, chr17:43,091,476, plus strand): 5'-AAAAACCTGGTTCCAATACCTAAGTTTGAATCCATGCTTTGCTCTTCTTGATTATTTTCT[T>C]CCAAGCCCGTTCCTCTTTCTTCATCATCTGAAACCAATTCCTTGTCACTCAGACCAACTC-3'
Protein context (NP_009225.1, residues 1342-1362): SDDEERGTGL[Glu1352Gly]ENNQEEQSMD